The following is an entry in ClinVar:

NM_001377.3(DYNC2H1):c.1760G>A (p.Arg587His)

Gene: DYNC2H1 (dynein cytoplasmic 2 heavy chain 1; plus strand). Cytogenetic location: 11q22.3.
Variant type: single nucleotide variant.
Coding change: c.1760G>A on transcript NM_001377.3 (MANE Select); coding-DNA position 1760, G replaced by A.
Protein change: p.Arg587His; replaces arginine 587 with histidine.
Molecular consequence: missense variant.
Genome position (GRCh38, 1-based): chr11:103,125,198, G>A. VCF-style: chr11-103125198-G-A. GRCh37 (hg19) VCF-style: chr11-102995927-G-A.
Other names: c.1760G>A, p.Arg587His (NM_001080463.2); short protein forms R587H.
Identifiers: ClinVar variation 2721525 (VCV002721525.4), dbSNP rs1238414767, ClinGen allele CA382255074.

ClinVar aggregate classification (germline): Conflicting classifications of pathogenicity. Review status: criteria provided, conflicting classifications (1 of 4 stars). 2 submissions from 2 submitters: Likely pathogenic (1); Uncertain significance (1). Last evaluated 2026-08-10.

Conditions:
Asphyxiating thoracic dystrophy 3. Also called: SHORT-RIB THORACIC DYSPLASIA 3/6 WITH POLYDACTYLY, DIGENIC; SHORT-RIB THORACIC DYSPLASIA 3 WITH OR WITHOUT POLYDACTYLY; POLYDACTYLY WITH NEONATAL CHONDRODYSTROPHY, TYPE I; Short rib polydactyly syndrome 2B; Saldino-Noonan Syndrome. Identifiers: Orphanet 474, Orphanet 93269, Orphanet 93270, Orphanet 93271, MedGen C0036069, MONDO:0013127, OMIM 613091.
Jeune thoracic dystrophy. Also called: Jeune syndrome; Infantile thoracic dystrophy; Thoracic pelvic phalangeal dystrophy; Jeune's syndrome; Chondroectodermal dysplasia-like syndrome; Short-rib thoracic dysplasia. Identifiers: Orphanet 474, MedGen C0265275, MONDO:0018770.

Allele frequency attached by ClinVar (database versions not stated): gnomAD 0.00001; TOPMed 0.00001.
gnomAD v4.1: 21 of 1,613,384 alleles (0.0013%); highest among the groups gnomAD compares: East Asian, 0.0089%; no homozygotes.

Submissions (2):

Myriad Genetics, Inc.
Classification: Uncertain significance for Asphyxiating thoracic dystrophy 3. Last evaluated: 2026-08-10. Review status: criteria provided, single submitter. Criteria: Myriad Autosomal Dominant, Autosomal Recessive and X-Linked Classification Criteria (2023). Collection method: clinical testing. Allele origin: unknown.
Comment: NM_001377.2(DYNC2H1):c.1760G>A(R587H) is a missense variant classified as a variant of uncertain significance in the context of DYNC2H1-related disorders. R587H has not been observed in cases with relevant disease. Relevant functional assessments of this variant are not available in the literature. R587H has been observed in referenced population frequency databases. In summary, there is insufficient evidence to classify NM_001377.2(DYNC2H1):c.1760G>A(R587H) as pathogenic or benign. Please note: this variant was assessed in the context of healthy population screening.

Labcorp Genetics (formerly Invitae), Labcorp
Classification: Likely pathogenic for Jeune thoracic dystrophy. Last evaluated: 2026-01-22. Review status: criteria provided, single submitter. Criteria: Invitae Variant Classification Sherloc (09022015). Collection method: clinical testing. Allele origin: germline.
Comment: This sequence change replaces arginine, which is basic and polar, with histidine, which is basic and polar, at codon 587 of the DYNC2H1 protein (p.Arg587His). This variant is present in population databases (no rsID available, gnomAD 0.003%). This missense change has been observed in individual(s) with DYNC2H1-related conditions (PMID: 33057194, 35982159). ClinVar contains an entry for this variant (Variation ID: 2721525). Invitae Evidence Modeling of protein sequence and biophysical properties (such as structural, functional, and spatial information, amino acid conservation, physicochemical variation, residue mobility, and thermodynamic stability) indicates that this missense variant is expected to disrupt DYNC2H1 protein function with a positive predictive value of 95%. This variant disrupts the p.Arg587 amino acid residue in DYNC2H1. Other variant(s) that disrupt this residue have been determined to be pathogenic (PMID: 19361615, 23339108). This suggests that this residue is clinically significant, and that variants that disrupt this residue are likely to be disease-causing. In summary, the currently available evidence indicates that the variant is pathogenic, but additional data are needed to prove that conclusively. Therefore, this variant has been classified as Likely Pathogenic.

Literature cited by the submitters: PubMed 33057194 (cited by Labcorp Genetics (formerly Invitae), Labcorp); PubMed 35982159 (cited by Labcorp Genetics (formerly Invitae), Labcorp); PubMed 19361615 (cited by Labcorp Genetics (formerly Invitae), Labcorp); PubMed 23339108 (cited by Labcorp Genetics (formerly Invitae), Labcorp).